The following is an entry in ClinVar:

ClinVar aggregate classification (germline): Uncertain significance (1 of 4 stars; one submission).

Conditions:
Hereditary nonpolyposis colorectal neoplasms. Identifiers: MedGen C0009405, MeSH D003123.

Submission:

Labcorp Genetics (formerly Invitae), Labcorp
Classification: Uncertain significance for Hereditary nonpolyposis colorectal neoplasms. Last evaluated: 2021-08-11. Review status: criteria provided, single submitter. Criteria: Invitae Variant Classification Sherloc (09022015). Collection method: clinical testing. Allele origin: germline.
Comment: This variant has not been reported in the literature in individuals affected with MSH6-related conditions. Advanced modeling of protein sequence and biophysical properties (such as structural, functional, and spatial information, amino acid conservation, physicochemical variation, residue mobility, and thermodynamic stability) performed at Invitae indicates that this missense variant is not expected to disrupt MSH6 protein function. In summary, the available evidence is currently insufficient to determine the role of this variant in disease. Therefore, it has been classified as a Variant of Uncertain Significance. This variant is not present in population databases (ExAC no frequency). This sequence change replaces valine with leucine at codon 1336 of the MSH6 protein (p.Val1336Leu). The valine residue is weakly conserved and there is a small physicochemical difference between valine and leucine.

NM_000179.3(MSH6):c.4006G>C (p.Val1336Leu)

Gene: MSH6 (mutS homolog 6; plus strand). Cytogenetic location: 2p16.3.
Variant type: single nucleotide variant.
Coding change: c.4006G>C on transcript NM_000179.3 (MANE Select); coding-DNA position 4006, G replaced by C.
Protein change: p.Val1336Leu; replaces valine 1336 with leucine.
Molecular consequence: missense variant.
Genome position (GRCh38, 1-based): chr2:47,806,783, G>C. VCF-style: chr2-47806783-G-C. GRCh37 (hg19) VCF-style: chr2-48033922-G-C.
Other names: c.3616G>C, p.Val1206Leu (NM_001281492.2); c.3100G>C, p.Val1034Leu (NM_001281493.2, NM_001281494.2); short protein forms V1034L, V1206L, V1336L.
Identifiers: ClinVar variation 1373950 (VCV001373950.6), dbSNP rs771181616, ClinGen allele CA346761627.